The following is an entry in ClinVar:

ClinVar aggregate classification (germline): Uncertain significance (1 of 4 stars; one submission).

Allele frequency attached by ClinVar (database versions not stated): ExAC 0.00001; gnomAD 0.00001; TOPMed 0.00001.
gnomAD v4.1: 13 of 1,613,672 alleles (0.00081%); highest among the groups gnomAD compares: Non-Finnish European, 0.0011%; no homozygotes.

Submission:

Labcorp Genetics (formerly Invitae), Labcorp
Classification: Uncertain significance. Last evaluated: 2022-02-09. Review status: criteria provided, single submitter. Criteria: Invitae Variant Classification Sherloc (09022015). Collection method: clinical testing. Allele origin: germline.
Comment: This sequence change replaces arginine, which is basic and polar, with histidine, which is basic and polar, at codon 572 of the ZNF341 protein (p.Arg572His). This variant is present in population databases (rs758286100, gnomAD 0.002%). This variant has not been reported in the literature in individuals affected with ZNF341-related conditions. Algorithms developed to predict the effect of missense changes on protein structure and function are either unavailable or do not agree on the potential impact of this missense change (SIFT: "Deleterious"; PolyPhen-2: "Probably Damaging"; Align-GVGD: "Class C0"). In summary, the available evidence is currently insufficient to determine the role of this variant in disease. Therefore, it has been classified as a Variant of Uncertain Significance.

NM_001282933.2(ZNF341):c.1736G>A (p.Arg579His)

Gene: ZNF341 (zinc finger protein 341; plus strand). Cytogenetic location: 20q11.22.
Variant type: single nucleotide variant.
Coding change: c.1736G>A on transcript NM_001282933.2 (MANE Select); coding-DNA position 1736, G replaced by A.
Protein change: p.Arg579His; replaces arginine 579 with histidine.
Molecular consequence: missense variant. On other transcripts: non-coding transcript variant (1).
Genome position (GRCh38, 1-based): chr20:33,783,748, G>A. VCF-style: chr20-33783748-G-A. GRCh37 (hg19) VCF-style: chr20-32371554-G-A.
Other names: c.1466G>A, p.Arg489His (NM_001282935.2); c.1715G>A, p.Arg572His (NM_032819.5); short protein forms R572H, R579H, R489H.
Identifiers: ClinVar variation 2095498 (VCV002095498.2), dbSNP rs758286100, ClinGen allele CA9819542.